The following is an entry in ClinVar:

ClinVar aggregate classification (germline): Uncertain significance (1 of 4 stars; one submission).

Conditions:
Spermatogenic failure 18. Identifiers: MedGen C4539783, MONDO:0054615, OMIM 617576.
Ciliary dyskinesia, primary, 37 (CILD37). Also called: CILIARY DYSKINESIA, PRIMARY, 37, WITH OR WITHOUT SITUS INVERSUS. Identifiers: MedGen C4539798, MONDO:0033204, OMIM 617577.

Submission:

Labcorp Genetics (formerly Invitae), Labcorp
Classification: Uncertain significance for Ciliary dyskinesia, primary, 37; Spermatogenic failure 18. Last evaluated: 2024-09-30. Review status: criteria provided, single submitter. Criteria: Invitae Variant Classification Sherloc (09022015). Collection method: clinical testing. Allele origin: germline.
Comment: This sequence change replaces glutamine, which is neutral and polar, with histidine, which is basic and polar, at codon 206 of the DNAH1 protein (p.Gln206His). This variant is not present in population databases (gnomAD no frequency). This variant has not been reported in the literature in individuals affected with DNAH1-related conditions. ClinVar contains an entry for this variant (Variation ID: 2011219). An algorithm developed to predict the effect of missense changes on protein structure and function (PolyPhen-2) suggests that this variant is likely to be tolerated. In summary, the available evidence is currently insufficient to determine the role of this variant in disease. Therefore, it has been classified as a Variant of Uncertain Significance.

NM_015512.5(DNAH1):c.618G>C (p.Gln206His)

Gene: DNAH1 (dynein axonemal heavy chain 1; plus strand). Cytogenetic location: 3p21.1.
Variant type: single nucleotide variant.
Coding change: c.618G>C on transcript NM_015512.5 (MANE Select); coding-DNA position 618, G replaced by C.
Protein change: p.Gln206His; replaces glutamine 206 with histidine.
Molecular consequence: missense variant.
Genome position (GRCh38, 1-based): chr3:52,326,771, G>C. VCF-style: chr3-52326771-G-C. GRCh37 (hg19) VCF-style: chr3-52360787-G-C.
Other names: short protein forms Q206H.
Identifiers: ClinVar variation 2011219 (VCV002011219.4), dbSNP rs2471132423, ClinGen allele CA353088188.
Genomic context (GRCh38, chr3:52,326,771, plus strand): 5'-GGTCCCCTCCCTGCCCTTGACCAGGAGGAAACAGCAGTACCTGAGCCTGGACATTGAGCA[G>C]TTGCTGTTCAGCCAGGGCATCGACTCCAACAAGCTCATGCCCAGGCACCTGGACCACCAG-3'
Protein context (NP_056327.4, residues 196-216): KQQYLSLDIE[Gln206His]LLFSQGIDSN